The following is an entry in ClinVar:

NM_138817.3(SLC7A13):c.658G>A (p.Gly220Ser)

Gene: SLC7A13 (solute carrier family 7 member 13; minus strand). Cytogenetic location: 8q21.3.
Variant type: single nucleotide variant.
Coding change: c.658G>A on transcript NM_138817.3 (MANE Select); coding-DNA position 658, G replaced by A.
Protein change: p.Gly220Ser; replaces glycine 220 with serine.
Molecular consequence: missense variant.
Genome position (GRCh38, 1-based): chr8:86,229,620, C>T on the plus strand (G>A on the coding strand, the complement: SLC7A13 is on the minus strand). VCF-style: chr8-86229620-C-T. GRCh37 (hg19) VCF-style: chr8-87241849-C-T.
Other names: short protein forms G220S.
Identifiers: ClinVar variation 3619876 (VCV003619876.2).
Genomic context (GRCh38, chr8:86,229,620, plus strand): 5'-GATTTTAGATTTTTTTCCTCAATGGATTGTTACCTGCTATAAGTGTAAAGCATGCCCCGC[C>T]TGAATATGCAAAATATCCTTGGAAGATGGCTTGTATAAGGTGAGAGATATCTGGAAGTTC-3'
Protein context (NP_620172.2, residues 210-230): AIFQGYFAYS[Gly220Ser]GACFTLIAGE

ClinVar aggregate classification (germline): Uncertain significance (1 of 4 stars; one submission).

Submission:

Labcorp Genetics (formerly Invitae), Labcorp
Classification: Uncertain significance. Last evaluated: 2024-10-23. Review status: criteria provided, single submitter. Criteria: Invitae Variant Classification Sherloc (09022015). Collection method: clinical testing. Allele origin: germline.
Comment: This sequence change replaces glycine, which is neutral and non-polar, with serine, which is neutral and polar, at codon 220 of the SLC7A13 protein (p.Gly220Ser). This variant is present in population databases (no rsID available, gnomAD 0.006%). This variant has not been reported in the literature in individuals affected with SLC7A13-related conditions. An algorithm developed to predict the effect of missense changes on protein structure and function (PolyPhen-2) suggests that this variant is likely to be disruptive. In summary, the available evidence is currently insufficient to determine the role of this variant in disease. Therefore, it has been classified as a Variant of Uncertain Significance.